The following is an entry in ClinVar:

ClinVar aggregate classification (germline): Uncertain significance (1 of 4 stars; one submission).

Conditions:
Benign neonatal seizures. Also called: Benign familial neonatal epilepsy; Benign familial neonatal seizures; Convulsions benign familial neonatal dominant form; Autosomal dominant form of benign neonatal seizures; Benign neonatal familial convulsions. Identifiers: Orphanet 1949, MedGen C0220669, MONDO:0016027.

Submission:

Labcorp Genetics (formerly Invitae), Labcorp
Classification: Uncertain significance for Benign neonatal seizures. Last evaluated: 2021-02-01. Review status: criteria provided, single submitter. Criteria: Invitae Variant Classification Sherloc (09022015). Collection method: clinical testing. Allele origin: germline.
Comment: In summary, the available evidence is currently insufficient to determine the role of this variant in disease. Therefore, it has been classified as a Variant of Uncertain Significance. Advanced modeling of protein sequence and biophysical properties (such as structural, functional, and spatial information, amino acid conservation, physicochemical variation, residue mobility, and thermodynamic stability) performed at Invitae indicates that this missense variant is not expected to disrupt KCNQ3 protein function. This variant has been observed in individual(s) with clinical features of KCNQ3-related conditions (Invitae). This variant is not present in population databases (ExAC no frequency). This sequence change replaces tryptophan with cysteine at codon 826 of the KCNQ3 protein (p.Trp826Cys). The tryptophan residue is highly conserved and there is a large physicochemical difference between tryptophan and cysteine.

NM_004519.4(KCNQ3):c.2478G>C (p.Trp826Cys)

Gene: KCNQ3 (potassium voltage-gated channel subfamily Q member 3; minus strand). Cytogenetic location: 8q24.22.
Variant type: single nucleotide variant.
Coding change: c.2478G>C on transcript NM_004519.4 (MANE Select); coding-DNA position 2478, G replaced by C.
Protein change: p.Trp826Cys; replaces tryptophan 826 with cysteine.
Molecular consequence: missense variant.
Genome position (GRCh38, 1-based): chr8:132,129,403, C>G on the plus strand (G>C on the coding strand, the complement: KCNQ3 is on the minus strand). VCF-style: chr8-132129403-C-G. GRCh37 (hg19) VCF-style: chr8-133141650-C-G.
Other names: c.2118G>C, p.Trp706Cys (NM_001204824.2); short protein forms W826C, W706C.
Identifiers: ClinVar variation 1428963 (VCV001428963.8), dbSNP rs2130922724, ClinGen allele CA372215807.
Genomic context (GRCh38, chr8:132,129,403, plus strand): 5'-CGTGAAGGGGTCCGTGTCTGTGTCCGTCTCACCCTCGGCGAGGTACCGCTTCTCCCTCAT[C>G]CAGCTCGACCCCCCATTGGGGCCGAACACATAATCATCTCTGTCCTGGGAGATGCTGAAG-3'
Protein context (NP_004510.1, residues 816-836): YVFGPNGGSS[Trp826Cys]MREKRYLAEG